The following is an entry in ClinVar:

ClinVar aggregate classification (germline): Pathogenic/Likely pathogenic. Review status: criteria provided, multiple submitters, no conflicts (2 of 4 stars). 3 submissions from 3 submitters: Pathogenic (1); Likely pathogenic (2). Last evaluated 2025-10-02.

Conditions:
Bethlem myopathy 1A. Also called: Bethlem myopathy 1; Bethlem Muscular Dystrophy; MYOPATHY, BENIGN CONGENITAL, WITH CONTRACTURES. Identifiers: Orphanet 610, MedGen CN029274, MONDO:0024530, OMIM 158810.
Ullrich congenital muscular dystrophy 1A. Also called: Intermediate COL6-RD; Ullrich congenital muscular dystrophy 1. Identifiers: Orphanet 75840, MedGen C0410179, MONDO:0009681, OMIM 254090.

Allele frequency attached by ClinVar (database versions not stated): TOPMed 0.00001.
gnomAD v4.1: 16 of 1,602,162 alleles (0.001%); highest among the groups gnomAD compares: Non-Finnish European, 0.0013%; no homozygotes.

Submissions (3):

Variantyx, Inc.
Classification: Likely pathogenic for Ullrich congenital muscular dystrophy 1A. Last evaluated: 2025-10-02. Review status: criteria provided, single submitter. Criteria: Variantyx Assertion Criteria 2022. Collection method: clinical testing. Allele origin: de novo. Inheritance: Autosomal dominant inheritance. Affected: yes.
Comment: This is a nonsynonymous variant in the COL6A1 gene (OMIM: 120220). Pathogenic variants in this gene have been associated with autosomal dominant or autosomal recessive Ullrich congenital muscular dystrophy 1A. This variant likely occurred de novo in an individual reported in the published literature reported with Ullrich congenital muscular dystrophy; however, the possibility of parental germline mosaicism cannot be excluded (PMID: 34167565) (PS2_Moderate). Thie alteration lies within a known hotspot for pathogenic variants or a well-established critical functional domain of the COL6A1 protein (PMID: 24038877) (PM1_Strong), and multiple computational algorithms predict a deleterious effect for this variant (REVEL score: 0.943) (PP3). This variant has a 0.0014% maximum allele frequency in non-founder control populations (PM2). Based on the current evidence, this variant is classified as likely pathogenic for autosomal dominant or autosomal recessive Ullrich congenital muscular dystrophy 1A.

Revvity Omics, Revvity
Classification: Pathogenic. Last evaluated: 2024-03-25. Review status: criteria provided, single submitter. Criteria: ACMG Guidelines, 2015. Collection method: clinical testing. Allele origin: germline.

Labcorp Genetics (formerly Invitae), Labcorp
Classification: Likely pathogenic for Bethlem myopathy 1A. Last evaluated: 2023-02-26. Review status: criteria provided, single submitter. Criteria: Invitae Variant Classification Sherloc (09022015). Collection method: clinical testing. Allele origin: germline.
Comment: This sequence change replaces glycine, which is neutral and non-polar, with arginine, which is basic and polar, at codon 380 of the COL6A1 protein (p.Gly380Arg). This variant is not present in population databases (gnomAD no frequency). This missense change has been observed in individual(s) with autosomal dominant COL6A1-related conditions (PMID: 34167565). In at least one individual the variant was observed to be de novo. Advanced modeling of protein sequence and biophysical properties (such as structural, functional, and spatial information, amino acid conservation, physicochemical variation, residue mobility, and thermodynamic stability) performed at Invitae indicates that this missense variant is expected to disrupt COL6A1 protein function. This variant disrupts the triple helix domain of COL6A1. Glycine residues within the Gly-Xaa-Yaa repeats of the triple helix domain are required for the structure and stability of fibrillar collagens (PMID: 7695699, 8218237, 19344236). In COL6A1, variants at these glycine residues are significantly enriched in individuals with autosomal dominant disease (PMID: 15689448, 24038877) compared to the general population (ExAC). In summary, the currently available evidence indicates that the variant is pathogenic, but additional data are needed to prove that conclusively. Therefore, this variant has been classified as Likely Pathogenic.

Literature cited by the submitters: PubMed 39367186 (cited by Variantyx, Inc.); PubMed 34167565 (cited by Variantyx, Inc. and Labcorp Genetics (formerly Invitae), Labcorp); PubMed 7695699 (cited by Labcorp Genetics (formerly Invitae), Labcorp); PubMed 8218237 (cited by Labcorp Genetics (formerly Invitae), Labcorp); PubMed 19344236 (cited by Labcorp Genetics (formerly Invitae), Labcorp); PubMed 15689448 (cited by Labcorp Genetics (formerly Invitae), Labcorp); PubMed 24038877 (cited by Labcorp Genetics (formerly Invitae), Labcorp).

NM_001848.3(COL6A1):c.1138G>A (p.Gly380Arg)

Gene: COL6A1 (collagen type VI alpha 1 chain; plus strand). Cytogenetic location: 21q22.3.
Variant type: single nucleotide variant.
Coding change: c.1138G>A on transcript NM_001848.3 (MANE Select); coding-DNA position 1138, G replaced by A.
Protein change: p.Gly380Arg; replaces glycine 380 with arginine.
Molecular consequence: missense variant.
Genome position (GRCh38, 1-based): chr21:45,992,028, G>A. VCF-style: chr21-45992028-G-A. GRCh37 (hg19) VCF-style: chr21-47411942-G-A.
Other names: short protein forms G380R.
Identifiers: ClinVar variation 2720754 (VCV002720754.3), dbSNP rs1401779653, ClinGen allele CA410524709.
Genomic context (GRCh38, chr21:45,992,028, plus strand): 5'-CACACCCCTGCCAGCGTGTGTGACTCCCCCGGTCTTCCCCAGGGCGAGCCTGGAGCTGAC[G>A]GGGAGGCGGGGAGACCAGGGAGCTCGGGACCATCTGGAGACGAGGTGAGGAGCTTCACAG-3'
Protein context (NP_001839.2, residues 370-390): KGEKGEPGAD[Gly380Arg]EAGRPGSSGP